The following is an entry in ClinVar:

ClinVar aggregate classification (germline): Likely benign. Review status: criteria provided, multiple submitters, no conflicts (2 of 4 stars). 4 submissions from 4 submitters: Likely benign (4). Last evaluated 2025-10-02.

Conditions:
Melnick-Needles syndrome (MNS). Also called: MELNICK-NEEDLES OSTEODYSPLASTY; Melnick-Needles Syndrome (FLNA-MNS); OSTEODYSPLASTY OF MELNICK AND NEEDLES. Identifiers: Orphanet 2484, MedGen C0025237, MONDO:0010650, OMIM 309350.
Frontometaphyseal dysplasia (FMD1). Identifiers: Orphanet 1826, MedGen C0265293, MONDO:0015942.
Heterotopia, periventricular, X-linked dominant (PVNH1). Also called: PERIVENTRICULAR NODULAR HETEROTOPIA 4; HETEROTOPIA, PERIVENTRICULAR, 1; PERIVENTRICULAR NODULAR HETEROTOPIA 1; X-linked periventricular heterotopia. Identifiers: Orphanet 2149, Orphanet 82004, MedGen C1848213, MONDO:0010233, OMIM 300049.
Oto-palato-digital syndrome, type II (OPD2). Also called: Otopalatodigital Syndrome Type 2 (FLNA-OPD2); FACIOPALATOOSSEOUS SYNDROME; OPD II SYNDROME; Otopalatodigital Syndrome, Type II. Identifiers: Orphanet 669, Orphanet 90652, MedGen C1844696, MONDO:0010571, OMIM 304120.
Oto-palato-digital syndrome, type I (OPD1). Also called: Otopalatodigital Syndrome Type 1 (FLNA-OPD1); OPD I SYNDROME; OPD SYNDROME 1; Taybi syndrome; Otopalatodigital Syndrome, Type I. Identifiers: Orphanet 669, Orphanet 90650, MedGen C0265251, MONDO:0010704, OMIM 311300.
Intestinal pseudoobstruction, neuronal, chronic idiopathic, X-linked (CIIPX). Also called: INTESTINAL PSEUDOOBSTRUCTION, NEURONAL, CHRONIC IDIOPATHIC, WITH CENTRAL NERVOUS SYSTEM INVOLVEMENT; CONGENITAL IDIOPATHIC INTESTINAL PSEUDOOBSTRUCTION; FLNA-Related Periventricular Nodular Heterotopia (FLNA-Related PVNH; Huttenlocher Syndrome). Identifiers: Orphanet 2301, MedGen C2746068, MONDO:0010232, OMIM 300048.
Cardiac valvular dysplasia, X-linked (CVDPX). Also called: MYXOMATOUS VALVULAR DYSTROPHY, X-LINKED; FLNA-Related X-linked Cardiac Valvular Dysplasia; VALVULAR HEART DISEASE, CONGENITAL; Congenital valvular dysplasia; Isolated X-Linked Cardiac Valvular Dysplasia. Identifiers: Orphanet 1864, Orphanet 555877, Orphanet 75497, MedGen C0262436, MONDO:0010753, OMIM 314400.
Frontometaphyseal dysplasia 1 (FMD1). Also called: Frontometaphyseal Dysplasia (FLNA-FMD). Identifiers: Orphanet 1826, MedGen C4281559, MONDO:0024550, OMIM 305620.
Terminal osseous dysplasia-pigmentary defects syndrome. Also called: ODPD; TERMINAL OSSEOUS DYSPLASIA AND PIGMENTARY DEFECTS; Terminal Osseous Dysplasia (FLNA-TOD); ODPF SYNDROME; OSSEOUS DYSPLASIA, DIGITAL, WITH FACIAL PIGMENTARY DEFECTS AND MULTIPLE FRENULA. Identifiers: Orphanet 88630, MedGen C1846129, MONDO:0010279, OMIM 300244.
FG syndrome 2 (FGS2). Identifiers: MedGen C1845902, MONDO:0010297, OMIM 300321.

Allele frequency attached by ClinVar (database versions not stated): gnomAD exomes below 0.00001; TOPMed 0.00001.
gnomAD v4.1: 2 of 1,211,200 alleles (0.00017%); highest among the groups gnomAD compares: Non-Finnish European, 0.00022%; no homozygotes.

Submissions (4):

Labcorp Genetics (formerly Invitae), Labcorp
Classification: Likely benign for Oto-palato-digital syndrome, type II; Heterotopia, periventricular, X-linked dominant; Frontometaphyseal dysplasia; Melnick-Needles syndrome. Last evaluated: 2025-10-02. Review status: criteria provided, single submitter. Criteria: Invitae Variant Classification Sherloc (09022015). Collection method: clinical testing. Allele origin: germline.

Women's Health and Genetics/Laboratory Corporation of America, LabCorp
Classification: Likely benign. Last evaluated: 2024-07-14. Review status: criteria provided, single submitter. Criteria: LabCorp Variant Classification Summary - May 2015. Collection method: clinical testing. Allele origin: germline.

Fulgent Genetics
Classification: Likely benign for Intestinal pseudoobstruction, neuronal, chronic idiopathic, X-linked; Heterotopia, periventricular, X-linked dominant; Terminal osseous dysplasia-pigmentary defects syndrome; FG syndrome 2; Oto-palato-digital syndrome, type II; Frontometaphyseal dysplasia 1; Melnick-Needles syndrome; Oto-palato-digital syndrome, type I; Cardiac valvular dysplasia, X-linked. Last evaluated: 2022-04-25. Review status: criteria provided, single submitter. Criteria: ACMG Guidelines, 2015. Collection method: clinical testing. Allele origin: unknown.

GeneDx
Classification: Likely benign. Last evaluated: 2017-03-30. Review status: criteria provided, single submitter. Criteria: GeneDx Variant Classification (06012015). Collection method: clinical testing. Allele origin: germline. Affected: yes.
Comment: This variant is considered likely benign or benign based on one or more of the following criteria: it is a conservative change, it occurs at a poorly conserved position in the protein, it is predicted to be benign by multiple in silico algorithms, and/or has population frequency not consistent with disease.

NM_001110556.2(FLNA):c.7326T>C (p.Gly2442=)

Gene: FLNA (filamin A; minus strand). Cytogenetic location: Xq28.
Variant type: single nucleotide variant.
Coding change: c.7326T>C on transcript NM_001110556.2 (MANE Select); coding-DNA position 7326, T replaced by C.
Protein change: p.Gly2442=; no amino-acid change (glycine 2442 retained).
Molecular consequence: synonymous variant.
Genome position (GRCh38, 1-based): chrX:154,350,038, A>G on the plus strand (T>C on the coding strand, the complement: FLNA is on the minus strand). VCF-style: chrX-154350038-A-G. GRCh37 (hg19) VCF-style: chrX-153578406-A-G.
Other names: c.7302T>C, p.Gly2434= (NM_001456.4).
Identifiers: ClinVar variation 508448 (VCV000508448.12), dbSNP rs1026564714, ClinGen allele CA337273030.